The following is an entry in ClinVar:

ClinVar aggregate classification (germline): Uncertain significance. Review status: criteria provided, multiple submitters, no conflicts (2 of 4 stars). 2 submissions from 2 submitters: Uncertain significance (2). Last evaluated 2025-02-15.

Conditions:
Cystic fibrosis (CF). Also called: MUCOVISCIDOSIS. Identifiers: Orphanet 586, MedGen C0010674, MONDO:0009061, OMIM 219700. Disease mechanism: loss of function.

gnomAD v4.1: 1 of 1,611,604 alleles (0.000062%); highest among the groups gnomAD compares: East Asian, 0.0022%; no homozygotes.

Submissions (2):

Women's Health and Genetics/Laboratory Corporation of America, LabCorp
Classification: Uncertain significance. Last evaluated: 2025-02-15. Review status: criteria provided, single submitter. Criteria: LabCorp Variant Classification Summary - May 2015. Collection method: clinical testing. Allele origin: germline.

Labcorp Genetics (formerly Invitae), Labcorp
Classification: Uncertain significance for Cystic fibrosis. Last evaluated: 2023-01-28. Review status: criteria provided, single submitter. Criteria: Invitae Variant Classification Sherloc (09022015). Collection method: clinical testing. Allele origin: germline.
Comment: This sequence change falls in intron 16 of the CFTR gene. It does not directly change the encoded amino acid sequence of the CFTR protein. It affects a nucleotide within the consensus splice site. This variant is present in population databases (no rsID available, gnomAD 0.006%). This variant has not been reported in the literature in individuals affected with CFTR-related conditions. Variants that disrupt the consensus splice site are a relatively common cause of aberrant splicing (PMID: 17576681, 9536098). Algorithms developed to predict the effect of sequence changes on RNA splicing suggest that this variant may disrupt the consensus splice site. In summary, the available evidence is currently insufficient to determine the role of this variant in disease. Therefore, it has been classified as a Variant of Uncertain Significance.

Literature cited by the submitters: PubMed 17576681 (cited by Labcorp Genetics (formerly Invitae), Labcorp); PubMed 9536098 (cited by Labcorp Genetics (formerly Invitae), Labcorp).

NM_000492.4(CFTR):c.2657+3G>T

Gene: CFTR (CF transmembrane conductance regulator; plus strand). Cytogenetic location: 7q31.2.
Variant type: single nucleotide variant.
Coding change: c.2657+3G>T on transcript NM_000492.4 (MANE Select); 3 bases into the intron after coding-DNA position 2657, G replaced by T.
Molecular consequence: intron variant.
Genome position (GRCh38, 1-based): chr7:117,602,866, G>T. VCF-style: chr7-117602866-G-T. GRCh37 (hg19) VCF-style: chr7-117242920-G-T.
Identifiers: ClinVar variation 2718088 (VCV002718088.4), dbSNP rs1562911279, ClinGen allele CA577222400.